The following is an entry in ClinVar:

NM_000059.4(BRCA2):c.3733G>A (p.Glu1245Lys)

Gene: BRCA2 (BRCA2 DNA repair associated; plus strand). Cytogenetic location: 13q13.1.
Variant type: single nucleotide variant.
Coding change: c.3733G>A on transcript NM_000059.4 (MANE Select); coding-DNA position 3733, G replaced by A.
Protein change: p.Glu1245Lys; replaces glutamic acid 1245 with lysine.
Molecular consequence: missense variant.
Genome position (GRCh38, 1-based): chr13:32,338,088, G>A. VCF-style: chr13-32338088-G-A. GRCh37 (hg19) VCF-style: chr13-32912225-G-A.
Other names: c.3733G>A (NM_000059.3); short protein forms E1245K.
Identifiers: ClinVar variation 1493363 (VCV001493363.10), dbSNP rs2137499510, ClinGen allele CA387778112.
Genomic context (GRCh38, chr13:32,338,088, plus strand): 5'-ACAAAACTGAATGTTTCTACTGAAGCTCTGCAAAAAGCTGTGAAACTGTTTAGTGATATT[G>A]AGAATATTAGTGAGGAAACTTCTGCAGAGGTACATCCAATAAGTTTATCTTCAAGTAAAT-3'
Protein context (NP_000050.3, residues 1235-1255): QKAVKLFSDI[Glu1245Lys]NISEETSAEV

ClinVar aggregate classification (germline): Conflicting classifications of pathogenicity. Review status: criteria provided, conflicting classifications (1 of 4 stars). 3 submissions from 3 submitters: Uncertain significance (2); Likely benign (1). Last evaluated 2025-07-02.

Conditions:
Hereditary cancer-predisposing syndrome. Also called: Tumor predisposition; Hereditary neoplastic syndrome; Neoplastic Syndromes, Hereditary; Hereditary Cancer Syndrome. Identifiers: Orphanet 140162, MedGen C0027672, MeSH D009386, MONDO:0015356.
Hereditary breast ovarian cancer syndrome. Also called: Hereditary breast and ovarian cancer; Hereditary breast and ovarian cancer syndrome; Hereditary breast and/or ovarian cancer syndrome; Hereditary breast and ovarian cancer syndrome (HBOC); Breast and ovarian cancer; BRCA1- and BRCA2-Associated Hereditary Breast and Ovarian Cancer. Identifiers: Orphanet 145, MedGen C0677776, MeSH D061325, MONDO:0003582. Disease mechanism: loss of function.

Submissions (3):

GeneDx
Classification: Uncertain significance. Last evaluated: 2025-07-02. Review status: criteria provided, single submitter. Criteria: GeneDx Variant Classification Process June 2021. Collection method: clinical testing. Allele origin: germline. Affected: yes.
Comment: Not observed at significant frequency in large population cohorts (gnomAD); In silico analysis supports that this missense variant has a deleterious effect on protein structure/function; Has not been previously published as pathogenic or benign to our knowledge; Also known as 3961G>A

University of Washington Department of Laboratory Medicine, University of Washington
Classification: Likely benign for Hereditary cancer-predisposing syndrome. Last evaluated: 2023-03-23. Review status: criteria provided, single submitter. Criteria: Dines et al. (Genet Med. 2020). Collection method: curation. Allele origin: germline.
Comment: Missense variant in a coldspot region where missense variants are very unlikely to be pathogenic (PMID:31911673).

BRCA2 exon 11 coldspot. Reclassification based on statistical prior probability.

Labcorp Genetics (formerly Invitae), Labcorp
Classification: Uncertain significance for Hereditary breast ovarian cancer syndrome. Last evaluated: 2020-11-24. Review status: criteria provided, single submitter. Criteria: Invitae Variant Classification Sherloc (09022015). Collection method: clinical testing. Allele origin: germline.
Comment: In summary, the available evidence is currently insufficient to determine the role of this variant in disease. Therefore, it has been classified as a Variant of Uncertain Significance. Advanced modeling of protein sequence and biophysical properties (such as structural, functional, and spatial information, amino acid conservation, physicochemical variation, residue mobility, and thermodynamic stability) performed at Invitae indicates that this missense variant is not expected to disrupt BRCA2 protein function. This variant has not been reported in the literature in individuals with BRCA2-related conditions. This variant is not present in population databases (ExAC no frequency). This sequence change replaces glutamic acid with lysine at codon 1245 of the BRCA2 protein (p.Glu1245Lys). The glutamic acid residue is moderately conserved and there is a small physicochemical difference between glutamic acid and lysine.